The following is an entry in ClinVar:

ClinVar aggregate classification (germline): Uncertain significance (1 of 4 stars; one submission).

Conditions:
Cardiomyopathy (CMYO). Also called: Cardiomyopathies. Identifiers: Orphanet 167848, MedGen C0878544, MONDO:0004994, HP:0001638. Inheritance: Various modes of inheritance.

Submission:

Color Diagnostics, LLC DBA Color Health
Classification: Uncertain significance for Cardiomyopathy. Last evaluated: 2025-08-07. Review status: criteria provided, single submitter. Criteria: ACMG Guidelines, 2015. Collection method: clinical testing. Allele origin: germline.
Comment: This missense variant replaces glutamine with proline at codon 4706 of the RYR2 protein. Computational prediction suggests that this variant may have deleterious impact on protein structure and function. To our knowledge, functional studies have not been reported for this variant. This variant has not been reported in individuals affected with RYR2-related disorders in the literature. This variant has not been identified in the general population by the Genome Aggregation Database (gnomAD). The available evidence is insufficient to determine the role of this variant in disease conclusively. Therefore, this variant is classified as a Variant of Uncertain Significance.

NM_001035.3(RYR2):c.14117A>C (p.Gln4706Pro)

Gene: RYR2 (ryanodine receptor 2; plus strand). Cytogenetic location: 1q43.
Variant type: single nucleotide variant.
Coding change: c.14117A>C on transcript NM_001035.3 (MANE Select); coding-DNA position 14117, A replaced by C.
Protein change: p.Gln4706Pro; replaces glutamine 4706 with proline.
Molecular consequence: missense variant.
Genome position (GRCh38, 1-based): chr1:237,801,882, A>C. VCF-style: chr1-237801882-A-C. GRCh37 (hg19) VCF-style: chr1-237965182-A-C.
Other names: short protein forms Q4706P.
Identifiers: ClinVar variation 4759143 (VCV004759143.1).
Genomic context (GRCh38, chr1:237,801,882, plus strand): 5'-CATAACTACGCATTTTTTTTTTTTGTCATTGCAGACTGAACTCCATTGATGTGAAGTATC[A>C]GATGTGGAAACTAGGAGTCGTTTTCACTGACAACGTAAGCCTACTTCATTATCACAAAAG-3'
Protein context (NP_001026.2, residues 4696-4716): AVLNSIDVKY[Gln4706Pro]MWKLGVVFTD